The following is an entry in ClinVar:

ClinVar aggregate classification (germline): Likely pathogenic (1 of 4 stars; one submission).

Conditions:
Congenital myotonia, autosomal recessive form. Also called: Becker Generalized Myotonia; BECKER DISEASE; myotonia congenita, autosomal recessive. Identifiers: Orphanet 614, MedGen C0751360, MONDO:0009715, OMIM 255700.
Congenital myotonia, autosomal dominant form (THD). Also called: THOMSEN DISEASE; Myotonia congenita autosomal dominant. Identifiers: Orphanet 614, MedGen C2936781, MONDO:0008055, OMIM 160800.

Submission:

Labcorp Genetics (formerly Invitae), Labcorp
Classification: Likely pathogenic for Congenital myotonia, autosomal recessive form; Congenital myotonia, autosomal dominant form. Last evaluated: 2021-09-17. Review status: criteria provided, single submitter. Criteria: Invitae Variant Classification Sherloc (09022015). Collection method: clinical testing. Allele origin: germline.
Comment: In summary, the currently available evidence indicates that the variant is pathogenic, but additional data are needed to prove that conclusively. Therefore, this variant has been classified as Likely Pathogenic. Algorithms developed to predict the effect of sequence changes on RNA splicing suggest that this variant may disrupt the consensus splice site. This variant has not been reported in the literature in individuals affected with CLCN1-related conditions. This variant is not present in population databases (ExAC no frequency). This sequence change affects an acceptor splice site in intron 16 of the CLCN1 gene. It is expected to disrupt RNA splicing. Variants that disrupt the donor or acceptor splice site typically lead to a loss of protein function (PMID: 16199547), and loss-of-function variants in CLCN1 are known to be pathogenic (PMID: 17932099, 22094069, 23739125).

Literature cited by the submitters: PubMed 16199547; PubMed 17932099; PubMed 22094069; PubMed 23739125.

NM_000083.3(CLCN1):c.1931-1G>C

Genes: CLCN1 (chloride voltage-gated channel 1; plus strand), LOC123956257 (Sharpr-MPRA regulatory region 4117; plus strand). Cytogenetic location: 7q34.
Variant type: single nucleotide variant.
Coding change: c.1931-1G>C on transcript NM_000083.3 (MANE Select); the canonical splice acceptor site of the intron before coding-DNA position 1931, G replaced by C.
Molecular consequence: splice acceptor variant.
Genome position (GRCh38, 1-based): chr7:143,345,520, G>C. VCF-style: chr7-143345520-G-C. GRCh37 (hg19) VCF-style: chr7-143042613-G-C.
Identifiers: ClinVar variation 1509221 (VCV001509221.6), dbSNP rs2116383424, ClinGen allele CA369649288.